The following is an entry in ClinVar:

NM_005751.5(AKAP9):c.2477T>C (p.Ile826Thr)

Gene: AKAP9 (A-kinase anchoring protein 9; plus strand). Cytogenetic location: 7q21.2.
Variant type: single nucleotide variant.
Coding change: c.2477T>C on transcript NM_005751.5 (MANE Select); coding-DNA position 2477, T replaced by C.
Protein change: p.Ile826Thr; replaces isoleucine 826 with threonine.
Molecular consequence: missense variant.
Genome position (GRCh38, 1-based): chr7:92,002,394, T>C. VCF-style: chr7-92002394-T-C. GRCh37 (hg19) VCF-style: chr7-91631708-T-C.
Other names: p.I826T:ATA>ACA; c.2477T>C, p.Ile826Thr (NM_147185.3); short protein forms I826T.
Identifiers: ClinVar variation 190507 (VCV000190507.47), dbSNP rs534185372, ClinGen allele CA300663.
Genomic context (GRCh38, chr7:92,002,394, plus strand): 5'-TAGACTCCATTAAGTCCAAATCCAAAGACTCTGTGTGGGAAAAAGAAATAGAAATACTTA[T>C]AGAGGAAAATGAGGACCTCAAACAACAATGTATTCAGCTAAATGAAGAGATTGAAAAGCA-3'
Protein context (NP_005742.4, residues 816-836): SVWEKEIEIL[Ile826Thr]EENEDLKQQC

ClinVar aggregate classification (germline): Benign/Likely benign. Review status: criteria provided, multiple submitters, no conflicts (2 of 4 stars). 7 submissions from 7 submitters: Benign (1); Likely benign (6). Last evaluated 2026-01-16.

Conditions:
AKAP9-related disorder. Also called: AKAP9-related condition.
Cardiovascular phenotype. Identifiers: MedGen CN230736.
Long QT syndrome (LQTS). Identifiers: MedGen C0023976, MeSH D008133, MONDO:0002442. Disease mechanism: loss of function. Inheritance: Various modes of inheritance.

Allele frequency attached by ClinVar (database versions not stated): gnomAD 0.00006 and 0.00015; TOPMed 0.00007; gnomAD exomes 0.00054; ExAC 0.00060; 1000 Genomes Project 30x 0.00062; 1000 Genomes Project 0.00080.
gnomAD v4.1: 430 of 1,610,766 alleles (0.027%); highest among the groups gnomAD compares: South Asian, 0.36%; 7 homozygotes.

Submissions (7):

Women's Health and Genetics/Laboratory Corporation of America, LabCorp
Classification: Likely benign. Last evaluated: 2026-01-16. Review status: criteria provided, single submitter. Criteria: LabCorp Variant Classification Summary - May 2015. Collection method: clinical testing. Allele origin: germline.

PreventionGenetics, part of Exact Sciences
Classification: Likely benign for AKAP9-related condition. Last evaluated: 2026-01-02. Review status: criteria provided, single submitter. Criteria: ACMG Guidelines, 2015. Collection method: clinical testing. Allele origin: germline.
Comment: This variant is classified as likely benign based on ACMG/AMP sequence variant interpretation guidelines (Richards et al. 2015 PMID: 25741868, with internal and published modifications).

Labcorp Genetics (formerly Invitae), Labcorp
Classification: Benign for Long QT syndrome. Last evaluated: 2025-12-13. Review status: criteria provided, single submitter. Criteria: Invitae Variant Classification Sherloc (09022015). Collection method: clinical testing. Allele origin: germline.

Blueprint Genetics
Classification: Likely benign. Last evaluated: 2023-09-20. Review status: criteria provided, single submitter. Criteria: ACMG Guidelines, 2015. Collection method: clinical testing. Allele origin: germline.

CeGaT Center for Human Genetics Tuebingen
Classification: Likely benign. Last evaluated: 2022-12-01. Review status: criteria provided, single submitter. Criteria: CeGaT Center For Human Genetics Tuebingen Variant Classification Criteria Version 2. Collection method: clinical testing. Allele origin: germline. Affected: yes. Observed: 1 variant allele.
Comment: AKAP9: BP4

Ambry Genetics
Classification: Likely benign for Cardiovascular phenotype. Last evaluated: 2019-08-26. Review status: criteria provided, single submitter. Criteria: Ambry Variant Classification Scheme 2023. Collection method: clinical testing. Allele origin: germline.

GeneDx
Classification: Likely benign. Last evaluated: 2012-02-16. Review status: criteria provided, single submitter. Criteria: GeneDx Variant Classification (06012015). Collection method: clinical testing. Allele origin: germline. Affected: yes.
Comment: This variant is considered likely benign or benign based on one or more of the following criteria: it is a conservative change, it occurs at a poorly conserved position in the protein, it is predicted to be benign by multiple in silico algorithms, and/or has population frequency not consistent with disease.